The following is an entry in ClinVar:

ClinVar aggregate classification (germline): Uncertain significance. Review status: criteria provided, multiple submitters, no conflicts (2 of 4 stars). 3 submissions from 3 submitters: Uncertain significance (3). Last evaluated 2026-04-06.

Conditions:
NOTCH2-related disorder. Also called: NOTCH2-related condition.
Inborn genetic diseases. Identifiers: MedGen C0950123, MeSH D030342.
Alagille syndrome due to a NOTCH2 point mutation. Also called: Alagille syndrome 2. Identifiers: Orphanet 261629, Orphanet 52, MedGen C1857761, MONDO:0012439, OMIM 610205.
Hajdu-Cheney syndrome (HJCYS). Also called: ACROOSTEOLYSIS WITH OSTEOPOROSIS AND CHANGES IN SKULL AND MANDIBLE; SERPENTINE FIBULA-POLYCYSTIC KIDNEY SYNDROME; Acroosteolysis dominant type. Identifiers: Orphanet 955, MedGen C0917715, MONDO:0007057, OMIM 102500.

gnomAD v4.1: 3 of 1,614,222 alleles (0.00019%); highest among the groups gnomAD compares: Admixed American, 0.0017%; no homozygotes.

Submissions (3):

PreventionGenetics, part of Exact Sciences
Classification: Uncertain significance for NOTCH2-related condition. Last evaluated: 2026-04-06. Review status: criteria provided, single submitter. Criteria: ACMG Guidelines, 2015. Collection method: clinical testing. Allele origin: germline.
Comment: The NOTCH2 c.2717T>C variant is predicted to result in the amino acid substitution p.Met906Thr. To our knowledge, this variant has not been reported in the literature or in a large population database (gnomAD), indicating this variant is rare. At this time, the clinical significance of this variant is uncertain due to the absence of conclusive functional and genetic evidence.

Ambry Genetics
Classification: Uncertain significance for Inborn genetic diseases. Last evaluated: 2024-11-09. Review status: criteria provided, single submitter. Criteria: Ambry Variant Classification Scheme 2023. Collection method: clinical testing. Allele origin: germline.

Fulgent Genetics
Classification: Uncertain significance for Hajdu-Cheney syndrome; Alagille syndrome due to a NOTCH2 point mutation. Last evaluated: 2024-06-18. Review status: criteria provided, single submitter. Criteria: ACMG Guidelines, 2015. Collection method: clinical testing. Allele origin: germline.

NM_024408.4(NOTCH2):c.2717T>C (p.Met906Thr)

Gene: NOTCH2 (notch receptor 2; minus strand). Cytogenetic location: 1p12.
Variant type: single nucleotide variant.
Coding change: c.2717T>C on transcript NM_024408.4 (MANE Select); coding-DNA position 2717, T replaced by C.
Protein change: p.Met906Thr; replaces methionine 906 with threonine.
Molecular consequence: missense variant.
Genome position (GRCh38, 1-based): chr1:119,948,449, A>G on the plus strand (T>C on the coding strand, the complement: NOTCH2 is on the minus strand). VCF-style: chr1-119948449-A-G. GRCh37 (hg19) VCF-style: chr1-120491072-A-G.
Other names: c.2717T>C, p.Met906Thr (NM_001200001.2); short protein forms M906T.
Identifiers: ClinVar variation 3406950 (VCV003406950.3).